The following is an entry in ClinVar:

NM_001206744.2(TPO):c.1477G>A (p.Gly493Ser)

Gene: TPO (thyroid peroxidase; plus strand). Cytogenetic location: 2p25.3.
Variant type: single nucleotide variant.
Coding change: c.1477G>A on transcript NM_001206744.2 (MANE Select); coding-DNA position 1477, G replaced by A.
Protein change: p.Gly493Ser; replaces glycine 493 with serine.
Molecular consequence: missense variant.
Genome position (GRCh38, 1-based): chr2:1,484,734, G>A. VCF-style: chr2-1484734-G-A. GRCh37 (hg19) VCF-style: chr2-1488506-G-A.
Other names: c.1477G>A, p.Gly493Ser (NM_000547.6, NM_001206745.2, NM_175719.4 and 1 more transcripts); c.958G>A, p.Gly320Ser (NM_175722.3); short protein forms G320S, G493S.
Identifiers: ClinVar variation 1064772 (VCV001064772.7), dbSNP rs778515113, ClinGen allele CA1511737.
Genomic context (GRCh38, chr2:1,484,734, plus strand): 5'-TATGACTCCACCGCCAACCCCACTGTGTCCAACGTGTTCTCCACAGCCGCCTTCCGCTTC[G>A]GCCATGCCACGATCCACCCGCTGGTGAGGAGGCTGGACGCCAGCTTCCAGGAGCACCCCG-3'
Protein context (NP_001193673.1, residues 483-503): NVFSTAAFRF[Gly493Ser]HATIHPLVRR

ClinVar aggregate classification (germline): Pathogenic. Review status: criteria provided, multiple submitters, no conflicts (2 of 4 stars). 4 submissions from 4 submitters: Pathogenic (4). Last evaluated 2023-08-31.

Conditions:
Neurodevelopmental disorder. Identifiers: MedGen C1535926, MeSH D065886, MONDO:0700092.
Deficiency of iodide peroxidase (TDH2A). Also called: HYPOTHYROIDISM, CONGENITAL, DUE TO DYSHORMONOGENESIS, 2A; IODIDE PEROXIDASE DEFICIENCY; Thyroid dyshormonogenesis 2A; THYROID HORMONOGENESIS, GENETIC DEFECT IN, 2A; THYROID PEROXIDASE DEFICIENCY. Identifiers: Orphanet 95716, MedGen C1291299, MONDO:0010133, OMIM 274500.
TPO-related disorder. Also called: TPO-related condition.

Allele frequency attached by ClinVar (database versions not stated): gnomAD 0.00001; TOPMed 0.00002; gnomAD exomes 0.00006; ExAC 0.00007.
gnomAD v4.1: 32 of 1,613,900 alleles (0.002%); highest among the groups gnomAD compares: Admixed American, 0.0067%; no homozygotes.

Submissions (5):

Labcorp Genetics (formerly Invitae), Labcorp
Classification: Pathogenic. Last evaluated: 2023-08-31. Review status: criteria provided, single submitter. Criteria: Invitae Variant Classification Sherloc (09022015). Collection method: clinical testing. Allele origin: germline.
Comment: For these reasons, this variant has been classified as Pathogenic. Advanced modeling of protein sequence and biophysical properties (such as structural, functional, and spatial information, amino acid conservation, physicochemical variation, residue mobility, and thermodynamic stability) has been performed at Invitae for this missense variant, however the output from this modeling did not meet the statistical confidence thresholds required to predict the impact of this variant on TPO protein function. ClinVar contains an entry for this variant (Variation ID: 1064772). This missense change has been observed in individual(s) with clinical features of total iodide organification defect and/or congenital hypothyroidism (PMID: 11874711, 15745925, 17381485, 21490078, 33368191, 34539567). In at least one individual the data is consistent with being in trans (on the opposite chromosome) from a pathogenic variant. It has also been observed to segregate with disease in related individuals. This variant is present in population databases (rs778515113, gnomAD 0.009%). This sequence change replaces glycine, which is neutral and non-polar, with serine, which is neutral and polar, at codon 493 of the TPO protein (p.Gly493Ser).

Blueprint Genetics
Classification: Pathogenic for TPO-related disorders. Last evaluated: 2023-08-16. Review status: criteria provided, single submitter. Criteria: ACMG Guidelines, 2015. Collection method: clinical testing. Allele origin: germline. Affected: yes. Observed: 2 variant alleles.

Women's Health and Genetics/Laboratory Corporation of America, LabCorp
Classification: Pathogenic for Deficiency of iodide peroxidase. Last evaluated: 2023-04-26. Review status: criteria provided, single submitter. Criteria: LabCorp Variant Classification Summary - May 2015. Collection method: clinical testing. Allele origin: germline.
Comment: Variant summary: TPO c.1477G>A (p.Gly493Ser) results in a non-conservative amino acid change in the encoded protein sequence. Five of five in-silico tools predict a damaging effect of the variant on protein function. The variant allele was found at a frequency of 5.6e-05 in 251336 control chromosomes (gnomAD). This frequency is not significantly higher than estimated for a pathogenic variant in TPO causing Deficiency Of Iodide Peroxidase (5.6e-05 vs 0.0071), allowing no conclusion about variant significance. c.1477G>A has been reported in the literature in multiple individuals affected with congenital hypothyroidism, and some were compound heterozygous with other (likely) pathogenic variants. These data indicate that the variant is very likely to be associated with disease. To our knowledge, no experimental evidence demonstrating an impact on protein function has been reported. The following publications have been ascertained in the context of this evaluation (PMID: 15745925, 21490078, 11874711, 34539567, 33368191). One submitter has provided a clinical-significance assessment for this variant to ClinVar after 2014 without evidence for independent evaluation, and classified the variant as pathogenic. Based on the evidence outlined above, the variant was classified as pathogenic.

Laboratory of Molecular Genetics (Pr. Bezieau's lab), CHU de Nantes
Classification: Pathogenic for Neurodevelopmental disorder. Last evaluated: 2020-02-18. Review status: criteria provided, single submitter. Criteria: ACMG Guidelines, 2015. Collection method: clinical testing. Allele origin: germline. Affected: yes.

Dr. Peter K. Rogan Lab, Western University
No classification provided (evidence only). Condition: Lung cancer. Review status: no classification provided. Collection method: in vitro. Allele origin: not applicable. Functional consequence: retained intron. Not counted in ClinVar's aggregate classification.

Literature cited by the submitters: PubMed 11874711 (cited by Labcorp Genetics (formerly Invitae), Labcorp and Women's Health and Genetics/Laboratory Corporation of America, LabCorp); PubMed 15745925 (cited by Labcorp Genetics (formerly Invitae), Labcorp and Women's Health and Genetics/Laboratory Corporation of America, LabCorp); PubMed 17381485 (cited by Labcorp Genetics (formerly Invitae), Labcorp); PubMed 21490078 (cited by Labcorp Genetics (formerly Invitae), Labcorp and Women's Health and Genetics/Laboratory Corporation of America, LabCorp); PubMed 33368191 (cited by Labcorp Genetics (formerly Invitae), Labcorp and Women's Health and Genetics/Laboratory Corporation of America, LabCorp); PubMed 34539567 (cited by Labcorp Genetics (formerly Invitae), Labcorp and Women's Health and Genetics/Laboratory Corporation of America, LabCorp).